The following is an entry in ClinVar:

ClinVar aggregate classification (germline): Uncertain significance (1 of 4 stars; one submission).

Submission:

GeneDx
Classification: Uncertain significance. Last evaluated: 2025-03-13. Review status: criteria provided, single submitter. Criteria: GeneDx Variant Classification Process June 2021. Collection method: clinical testing. Allele origin: germline. Affected: yes.
Comment: Not observed at significant frequency in large population cohorts (gnomAD); In silico analysis supports that this missense variant has a deleterious effect on protein structure/function; Has not been previously published as pathogenic or benign to our knowledge

NM_001303457.2(TTI1):c.881T>A (p.Ile294Lys)

Gene: TTI1 (TELO2 interacting protein 1; minus strand). Cytogenetic location: 20q11.23.
Variant type: single nucleotide variant.
Coding change: c.881T>A on transcript NM_001303457.2 (MANE Select); coding-DNA position 881, T replaced by A.
Protein change: p.Ile294Lys; replaces isoleucine 294 with lysine.
Molecular consequence: missense variant.
Genome position (GRCh38, 1-based): chr20:38,012,936, A>T on the plus strand (T>A on the coding strand, the complement: TTI1 is on the minus strand). VCF-style: chr20-38012936-A-T. GRCh37 (hg19) VCF-style: chr20-36641338-A-T.
Other names: c.881T>A, p.Ile294Lys (NM_014657.3); short protein forms I294K.
Identifiers: ClinVar variation 4083190 (VCV004083190.1).